The following is an entry in ClinVar:

ClinVar aggregate classification (germline): Pathogenic. Review status: criteria provided, multiple submitters, no conflicts (2 of 4 stars). 3 submissions from 3 submitters: Pathogenic (3). Last evaluated 2024-05-08.

Conditions:
Curry-Hall syndrome (WAD). Also called: WEYERS ACRODENTAL DYSOSTOSIS. Identifiers: Orphanet 952, MedGen C0457013, MONDO:0008673, OMIM 193530.
Ellis-van Creveld syndrome (EVC). Also called: MESOECTODERMAL DYSPLASIA; Chondroectodermal dysplasia. Identifiers: Orphanet 289, MedGen C0013903, MONDO:0009162, OMIM 225500.

Allele frequency attached by ClinVar (database versions not stated): gnomAD exomes below 0.00001; ExAC 0.00001.

Submissions (3):

Myriad Genetics, Inc.
Classification: Pathogenic for Ellis-van Creveld syndrome. Last evaluated: 2024-05-08. Review status: criteria provided, single submitter. Criteria: Myriad Autosomal Dominant, Autosomal Recessive and X-Linked Classification Criteria (2023). Collection method: clinical testing. Allele origin: unknown.
Comment: NM_153717.2(EVC):c.1416delC(F473Sfs*27) is expected to be pathogenic in the context of EVC-related Ellis-van Creveld syndrome. This variant is predicted to lead to an abnormal or absent protein product due to the creation of a premature termination codon in EVC, a gene where loss-of-function variants are known to be pathogenic. Please note: this variant was assessed in the context of healthy population screening.

Labcorp Genetics (formerly Invitae), Labcorp
Classification: Pathogenic for Curry-Hall syndrome; Ellis-van Creveld syndrome. Last evaluated: 2024-04-07. Review status: criteria provided, single submitter. Criteria: Invitae Variant Classification Sherloc (09022015). Collection method: clinical testing. Allele origin: germline.
Comment: This sequence change creates a premature translational stop signal (p.Phe473Serfs*27) in the EVC gene. It is expected to result in an absent or disrupted protein product. Loss-of-function variants in EVC are known to be pathogenic (PMID: 23220543). This variant is present in population databases (rs768485560, gnomAD 0.003%). This variant has not been reported in the literature in individuals affected with EVC-related conditions. ClinVar contains an entry for this variant (Variation ID: 618094). For these reasons, this variant has been classified as Pathogenic.

ARUP Laboratories, Molecular Genetics and Genomics, ARUP Laboratories
Classification: Pathogenic. Last evaluated: 2018-04-20. Review status: criteria provided, single submitter. Criteria: ARUP Molecular Germline Variant Investigation Process. Collection method: clinical testing. Allele origin: germline.
Comment: The EVC c.1416delC; p.Phe473Serfs variant (rs768485560) causes a frameshift by deleting a single nucleotide in exon 10,and is predicted to result in a truncated protein or mRNA subject to nonsense-mediated decay. This variant is listed in the genome Aggregation Database (gnomAD) with an overall population frequency of 0.0004% (identified on 1 out of 246,236chromosomes) and, to the best of our knowledge, has not been reported in the medical literature. Based on the available information, the p.Phe473Serfs variant is classified as pathogenic.

Literature cited by the submitters: PubMed 23220543 (cited by Labcorp Genetics (formerly Invitae), Labcorp).

NM_153717.3(EVC):c.1416del (p.Phe473fs)

Gene: EVC (EvC ciliary complex subunit 1; plus strand). Cytogenetic location: 4p16.2.
Variant type: Deletion.
Coding change: c.1416del on transcript NM_153717.3 (MANE Select); coding-DNA position 1416, one base deleted (C; older notation c.1416delC).
Protein change: p.Phe473fs; shifts the reading frame from phenylalanine 473.
Molecular consequence: frameshift variant.
Genome position (GRCh38, 1-based): chr4:5,753,885, C deleted. VCF-style (leftmost placement, unchanged base first): chr4-5753884-GC-G. GRCh37 (hg19) VCF-style: chr4-5755611-GC-G.
Other names: c.1416del, p.Phe473fs (NM_001306090.2, NM_001306092.2); short protein forms F473fs.
Identifiers: ClinVar variation 618094 (VCV000618094.12), dbSNP rs768485560, ClinGen allele CA2836094.
Genomic context (GRCh38, chr4:5,753,884, plus strand): 5'-TGGCTCACCAGGTGGAGGGAACGGCAAAACTCACGCTGGCCCAAGAGGAGGAACAGAGAA[GC>G]TTCCTGGCTGAGGCCCAGCCGACTGCTGACCCGGAAAAGTTTCTCGAGGTGACTCACATC-3'